The following is an entry in ClinVar:

NM_015915.5(ATL1):c.1360G>C (p.Val454Leu)

Gene: ATL1 (atlastin GTPase 1; plus strand). Cytogenetic location: 14q22.1.
Variant type: single nucleotide variant.
Coding change: c.1360G>C on transcript NM_015915.5 (MANE Select); coding-DNA position 1360, G replaced by C.
Protein change: p.Val454Leu; replaces valine 454 with leucine.
Molecular consequence: missense variant.
Genome position (GRCh38, 1-based): chr14:50,628,271, G>C. VCF-style: chr14-50628271-G-C. GRCh37 (hg19) VCF-style: chr14-51094989-G-C.
Other names: c.1360G>C, p.Val454Leu (NM_001127713.1, NM_181598.4); short protein forms V454L.
Identifiers: ClinVar variation 1017088 (VCV001017088.12), dbSNP rs370748757, ClinGen allele CA7180473.

ClinVar aggregate classification (germline): Uncertain significance. Review status: criteria provided, multiple submitters, no conflicts (2 of 4 stars). 3 submissions from 3 submitters: Uncertain significance (3). Last evaluated 2022-09-10.

Conditions:
Inborn genetic diseases. Identifiers: MedGen C0950123, MeSH D030342.
Hereditary spastic paraplegia 3A (SPG3A). Also called: Spastic paraplegia 3A, autosomal dominant; SPASTIC PARAPLEGIA 3, AUTOSOMAL DOMINANT; FAMILIAL SPASTIC PARAPLEGIA, AUTOSOMAL DOMINANT, 1; SPG3; STRUMPELL DISEASE; Spastic Paraplegia 3A. Identifiers: Orphanet 100984, MedGen C2931355, MONDO:0008437, OMIM 182600.

Allele frequency attached by ClinVar (database versions not stated): ExAC 0.00001; gnomAD 0.00001; TOPMed 0.00002; gnomAD exomes 0.00005; ESP Exome Variant Server 0.00008.
gnomAD v4.1: 74 of 1,614,054 alleles (0.0046%); highest among the groups gnomAD compares: Non-Finnish European, 0.0062%; no homozygotes.

Submissions (3):

Labcorp Genetics (formerly Invitae), Labcorp
Classification: Uncertain significance for Hereditary spastic paraplegia 3A. Last evaluated: 2022-09-10. Review status: criteria provided, single submitter. Criteria: Invitae Variant Classification Sherloc (09022015). Collection method: clinical testing. Allele origin: germline.
Comment: In summary, the available evidence is currently insufficient to determine the role of this variant in disease. Therefore, it has been classified as a Variant of Uncertain Significance. Algorithms developed to predict the effect of missense changes on protein structure and function (SIFT, PolyPhen-2, Align-GVGD) all suggest that this variant is likely to be tolerated. ClinVar contains an entry for this variant (Variation ID: 1017088). This variant has not been reported in the literature in individuals affected with ATL1-related conditions. This variant is present in population databases (rs370748757, gnomAD 0.0009%). This sequence change replaces valine, which is neutral and non-polar, with leucine, which is neutral and non-polar, at codon 454 of the ATL1 protein (p.Val454Leu).

Ambry Genetics
Classification: Uncertain significance for Inborn genetic diseases. Last evaluated: 2020-03-12. Review status: criteria provided, single submitter. Criteria: Ambry Variant Classification Scheme 2023. Collection method: clinical testing. Allele origin: germline.
Comment: The p.V454L variant (also known as c.1360G>C), located in coding exon 12 of the ATL1 gene, results from a G to C substitution at nucleotide position 1360. The valine at codon 454 is replaced by leucine, an amino acid with highly similar properties. This amino acid position is highly conserved in available vertebrate species. In addition, the in silico prediction for this alteration is inconclusive. Since supporting evidence is limited at this time, the clinical significance of this alteration remains unclear.

GeneDx
Classification: Uncertain significance. Last evaluated: 2019-12-18. Review status: criteria provided, single submitter. Criteria: GeneDx Variant Classification Process June 2021. Collection method: clinical testing. Allele origin: germline. Affected: yes.
Comment: Not observed in large population cohorts (Lek et al., 2016); In silico analysis, which includes protein predictors and evolutionary conservation, supports that this variant does not alter protein structure/function; Has not been previously published as pathogenic or benign to our knowledge